The following is an entry in ClinVar:

ClinVar aggregate classification (germline): Uncertain significance (1 of 4 stars; one submission).

Submission:

GeneDx
Classification: Uncertain significance. Last evaluated: 2022-02-07. Review status: criteria provided, single submitter. Criteria: GeneDx Variant Classification Process June 2021. Collection method: clinical testing. Allele origin: germline. Affected: yes.
Comment: Not observed at significant frequency in large population cohorts (gnomAD); In silico analysis supports that this missense variant has a deleterious effect on protein structure/function; Has not been previously published as pathogenic or benign to our knowledge

NM_001127222.2(CACNA1A):c.4527C>G (p.Ile1509Met)

Gene: CACNA1A (calcium voltage-gated channel subunit alpha1 A; minus strand). Cytogenetic location: 19p13.13.
Variant type: single nucleotide variant.
Coding change: c.4527C>G on transcript NM_001127222.2 (MANE Select); coding-DNA position 4527, C replaced by G.
Protein change: p.Ile1509Met; replaces isoleucine 1509 with methionine.
Molecular consequence: missense variant.
Genome position (GRCh38, 1-based): chr19:13,257,413, G>C on the plus strand (C>G on the coding strand, the complement: CACNA1A is on the minus strand). VCF-style: chr19-13257413-G-C. GRCh37 (hg19) VCF-style: chr19-13368227-G-C.
Other names: c.4539C>G, p.Ile1513Met (NM_000068.4, NM_023035.3); c.4530C>G, p.Ile1510Met (NM_001127221.2, NM_001174080.2); short protein forms I1509M, I1510M, I1513M.
Identifiers: ClinVar variation 1700452 (VCV001700452.2), dbSNP rs2144748282, ClinGen allele CA404338862.